The following is an entry in ClinVar:

ClinVar aggregate classification (germline): Uncertain significance. Review status: criteria provided, multiple submitters, no conflicts (2 of 4 stars). 5 submissions from 5 submitters: Uncertain significance (4). 1 of the submissions does not count toward it. Last evaluated 2025-03-18.

Conditions:
Inborn genetic diseases. Identifiers: MedGen C0950123, MeSH D030342.
Peroxisome biogenesis disorder 2B (PBD2B). Identifiers: Orphanet 44, MedGen C3550234, MONDO:0008736, OMIM 202370.
PEX5-related disorder. Also called: PEX5-related condition; PEX5-Related Disorders.

Allele frequency attached by ClinVar (database versions not stated): gnomAD exomes 0.00003 and below 0.00001; 1000 Genomes Project 30x 0.00016; ExAC 0.00003; gnomAD 0.00011; TOPMed 0.00012; 1000 Genomes Project 0.00020.
gnomAD v4.1: 22 of 1,614,122 alleles (0.0014%); highest among the groups gnomAD compares: African/African-American, 0.027%; no homozygotes.

Submissions (5):

Ambry Genetics
Classification: Uncertain significance for Inborn genetic diseases. Last evaluated: 2025-03-18. Review status: criteria provided, single submitter. Criteria: Ambry Variant Classification Scheme 2023. Collection method: clinical testing. Allele origin: germline.

Labcorp Genetics (formerly Invitae), Labcorp
Classification: Uncertain significance for Peroxisome biogenesis disorder 2B. Last evaluated: 2022-08-23. Review status: criteria provided, single submitter. Criteria: Invitae Variant Classification Sherloc (09022015). Collection method: clinical testing. Allele origin: germline.
Comment: This sequence change replaces valine, which is neutral and non-polar, with alanine, which is neutral and non-polar, at codon 227 of the PEX5 protein (p.Val227Ala). This variant is present in population databases (rs777842778, gnomAD 0.04%). This variant has not been reported in the literature in individuals affected with PEX5-related conditions. ClinVar contains an entry for this variant (Variation ID: 445968). Algorithms developed to predict the effect of missense changes on protein structure and function are either unavailable or do not agree on the potential impact of this missense change (SIFT: "Deleterious"; PolyPhen-2: "Benign"; Align-GVGD: "Class C0"). In summary, the available evidence is currently insufficient to determine the role of this variant in disease. Therefore, it has been classified as a Variant of Uncertain Significance.

Center for Pediatric Genomic Medicine, Children's Mercy Hospital and Clinics
Classification: Uncertain significance. Last evaluated: 2017-07-19. Review status: criteria provided, single submitter. Criteria: ACMG Guidelines, 2015. Collection method: clinical testing. Allele origin: germline.

Eurofins Ntd Llc (ga)
Classification: Uncertain significance. Last evaluated: 2016-10-17. Review status: criteria provided, single submitter. Criteria: EGL Classification Definitions 2015. Collection method: clinical testing. Allele origin: germline. Observed: 1 variant allele, 1 heterozygote.

PreventionGenetics, part of Exact Sciences
Classification: Uncertain significance for PEX5-related condition. Last evaluated: 2024-07-12. Review status: no assertion criteria provided. Collection method: clinical testing. Allele origin: germline. Not counted in ClinVar's aggregate classification.
Comment: The PEX5 c.680T>C variant is predicted to result in the amino acid substitution p.Val227Ala. To our knowledge, this variant has not been reported in the literature. This variant is reported in 0.044% of alleles in individuals of African descent in gnomAD. At this time, the clinical significance of this variant is uncertain due to the absence of conclusive functional and genetic evidence.

NM_001351132.2(PEX5):c.680T>C (p.Val227Ala)

Gene: PEX5 (peroxisomal biogenesis factor 5; plus strand). Cytogenetic location: 12p13.31.
Variant type: single nucleotide variant.
Coding change: c.680T>C on transcript NM_001351132.2 (MANE Select); coding-DNA position 680, T replaced by C.
Protein change: p.Val227Ala; replaces valine 227 with alanine.
Molecular consequence: missense variant. On other transcripts: intron variant (15).
Genome position (GRCh38, 1-based): chr12:7,202,278, T>C. VCF-style: chr12-7202278-T-C. GRCh37 (hg19) VCF-style: chr12-7354874-T-C.
Other names: c.680T>C, p.Val227Ala (NM_000319.5, NM_001131025.2, NM_001131026.2 and 6 more transcripts); c.725T>C, p.Val242Ala (NM_001131023.2); c.643-334T>C (NM_001351124.3, NM_001351126.2, NM_001374646.1 and 10 more transcripts); c.688-334T>C (NM_001351135.3, NM_001351138.2); short protein forms V227A, V242A.
Identifiers: ClinVar variation 445968 (VCV000445968.12), dbSNP rs777842778, ClinGen allele CA6426236.
Genomic context (GRCh38, chr12:7,202,278, plus strand): 5'-CTGTGTGTGTCTCTGTGCCCCAGTTCCTGAAATTCGTGCGGCAGATTGGCGAAGGGCAGG[T>C]GTCCCTGGAGTCCGGTGCAGGGTCGGGCCGAGCTCAGGCAGAACAGTGGGCAGCAGAGTT-3'
Protein context (NP_001338061.1, residues 217-237): KFVRQIGEGQ[Val227Ala]SLESGAGSGR